The following is an entry in ClinVar:

NM_002734.5(PRKAR1A):c.671G>A (p.Trp224Ter)

Gene: PRKAR1A (protein kinase cAMP-dependent type I regulatory subunit alpha; plus strand). Cytogenetic location: 17q24.2.
Variant type: single nucleotide variant.
Coding change: c.671G>A on transcript NM_002734.5 (MANE Select); coding-DNA position 671, G replaced by A.
Protein change: p.Trp224Ter; replaces tryptophan 224 with a stop codon.
Molecular consequence: nonsense.
Genome position (GRCh38, 1-based): chr17:68,525,875, G>A. VCF-style: chr17-68525875-G-A. GRCh37 (hg19) VCF-style: chr17-66522016-G-A.
Other names: c.671G>A, p.Trp224Ter (NM_001276289.2, NM_001276290.1, NM_001278433.2 and 4 more transcripts); short protein forms W224*.
Identifiers: ClinVar variation 575134 (VCV000575134.10), dbSNP rs1568698504, ClinGen allele CA400753317.
Genomic context (GRCh38, chr17:68,525,875, plus strand): 5'-CTTTGATTTATGGAACACCGAGAGCAGCCACTGTCAAAGCAAAGACAAATGTGAAATTGT[G>A]GGGCATCGACCGAGACAGCTATAGAAGAATCCTCATGGTAAGAGACCATGGTGTTTGAGA-3'

ClinVar aggregate classification (germline): Pathogenic (1 of 4 stars; one submission).

Conditions:
Carney complex, type 1 (CNC1). Also called: CARNEY COMPLEX, TYPE I; CARNEY MYXOMA-ENDOCRINE COMPLEX. Identifiers: Orphanet 1359, MedGen C2607929, MONDO:0008057, OMIM 160980.

Submission:

Labcorp Genetics (formerly Invitae), Labcorp
Classification: Pathogenic for Carney complex, type 1. Last evaluated: 2019-06-05. Review status: criteria provided, single submitter. Criteria: Invitae Variant Classification Sherloc (09022015). Collection method: clinical testing. Allele origin: germline.
Comment: For these reasons, this variant has been classified as Pathogenic. Loss-of-function variants in PRKAR1A are known to be pathogenic (PMID: 11115848, 19293268). This variant has been reported in an individual affected with Carney complex (PMID: 19293268). This variant is not present in population databases (ExAC no frequency). This sequence change creates a premature translational stop signal (p.Trp224*) in the PRKAR1A gene. It is expected to result in an absent or disrupted protein product.

Literature cited by the submitters: PubMed 11115848; PubMed 19293268.